The following is an entry in ClinVar:

NM_000219.6(KCNE1):c.174C>T (p.Thr58=)

Gene: KCNE1 (potassium voltage-gated channel subfamily E regulatory subunit 1; minus strand). Cytogenetic location: 21q22.12.
Variant type: single nucleotide variant.
Coding change: c.174C>T on transcript NM_000219.6 (MANE Select); coding-DNA position 174, C replaced by T.
Protein change: p.Thr58=; no amino-acid change (threonine 58 retained).
Molecular consequence: synonymous variant.
Genome position (GRCh38, 1-based): chr21:34,449,461, G>A on the plus strand (C>T on the coding strand, the complement: KCNE1 is on the minus strand). VCF-style: chr21-34449461-G-A. GRCh37 (hg19) VCF-style: chr21-35821759-G-A.
Other names: c.174C>T, p.Thr58= (NM_001127668.4, NM_001127669.4, NM_001127670.4 and 4 more transcripts).
Identifiers: ClinVar variation 3374245 (VCV003374245.2).

Conditions:
Long QT syndrome 5 (LQT5). Identifiers: Orphanet 101016, Orphanet 768, MedGen C1867904, MONDO:0013372, OMIM 613695.

Submission:

Roden Lab, Vanderbilt University Medical Center
No classification provided (evidence only). Condition: Long QT syndrome 5. Review status: no classification provided. Collection method: in vitro. Allele origin: not applicable. Functional consequence: Effect on ion channel function.
ClinVar note: "not provided" was previously submitted as the classification for the variant. However, the classification appeared to be based only on an observation of functional data so it was converted to no classification on 2025-07-30.